The following is an entry in ClinVar:

NM_017433.5(MYO3A):c.4792G>A (p.Asp1598Asn)

Gene: MYO3A (myosin IIIA; plus strand). Cytogenetic location: 10p12.1.
Variant type: single nucleotide variant.
Coding change: c.4792G>A on transcript NM_017433.5 (MANE Select); coding-DNA position 4792, G replaced by A.
Protein change: p.Asp1598Asn; replaces aspartic acid 1598 with asparagine.
Molecular consequence: missense variant.
Genome position (GRCh38, 1-based): chr10:26,211,904, G>A. VCF-style: chr10-26211904-G-A. GRCh37 (hg19) VCF-style: chr10-26500833-G-A.
Other names: short protein forms D1598N.
Identifiers: ClinVar variation 4115557 (VCV004115557.2).

ClinVar aggregate classification (germline): Uncertain significance. Review status: criteria provided, multiple submitters, no conflicts (2 of 4 stars). 2 submissions from 2 submitters: Uncertain significance (2). Last evaluated 2025-08-30.

Conditions:
MYO3A-related disorder. Also called: MYO3A-related condition.
Inborn genetic diseases. Identifiers: MedGen C0950123, MeSH D030342.

gnomAD v4.1: 20 of 1,613,886 alleles (0.0012%); highest among the groups gnomAD compares: African/African-American, 0.0067%; no homozygotes.

Submissions (2):

Ambry Genetics
Classification: Uncertain significance for Inborn genetic diseases. Last evaluated: 2025-08-30. Review status: criteria provided, single submitter. Criteria: Ambry Variant Classification Scheme 2023. Collection method: clinical testing. Allele origin: germline.

PreventionGenetics, part of Exact Sciences
Classification: Uncertain significance for MYO3A-related condition. Last evaluated: 2024-11-06. Review status: criteria provided, single submitter. Criteria: ACMG Guidelines, 2015. Collection method: clinical testing. Allele origin: germline.
Comment: The MYO3A c.4792G>A variant is predicted to result in the amino acid substitution p.Asp1598Asn. To our knowledge, this variant has not been reported in the literature. This variant is reported in 0.016% of alleles in individuals of African descent in gnomAD. At this time, the clinical significance of this variant is uncertain due to the absence of conclusive functional and genetic evidence.